The following is an entry in ClinVar:

NM_005378.6(MYCN):c.227G>T (p.Ser76Ile)

Genes: MYCN (MYCN proto-oncogene, bHLH transcription factor; plus strand), MYCNOS (MYCN opposite strand; minus strand). Cytogenetic location: 2p24.3.
Variant type: single nucleotide variant.
Coding change: c.227G>T on transcript NM_005378.6 (MANE Select); coding-DNA position 227, G replaced by T.
Protein change: p.Ser76Ile; replaces serine 76 with isoleucine.
Molecular consequence: missense variant. On other transcripts: non-coding transcript variant (1), 3 prime UTR variant (1), intron variant (1).
Genome position (GRCh38, 1-based): chr2:15,942,291, G>T. VCF-style: chr2-15942291-G-T. GRCh37 (hg19) VCF-style: chr2-16082413-G-T.
Other names: c.227G>T, p.Ser76Ile (NM_001293228.2); c.*162G>T (NM_001293233.2); c.157+1548G>T (NM_001293231.2); short protein forms S76I.
Identifiers: ClinVar variation 1307616 (VCV001307616.2), dbSNP rs750717149, ClinGen allele CA345930429.

ClinVar aggregate classification (germline): Uncertain significance (1 of 4 stars; one submission).

gnomAD v4.1: 2 of 1,610,922 alleles (0.00012%); highest among the groups gnomAD compares: Non-Finnish European, 0.00017%; no homozygotes.

Submission:

GeneDx
Classification: Uncertain significance. Last evaluated: 2020-05-20. Review status: criteria provided, single submitter. Criteria: GeneDx Variant Classification Process June 2021. Collection method: clinical testing. Allele origin: germline. Affected: yes.
Comment: In silico analysis supports that this missense variant has a deleterious effect on protein structure/function; Has not been previously published as pathogenic or benign to our knowledge